The following is an entry in ClinVar:

ClinVar aggregate classification (germline): Uncertain significance (1 of 4 stars; one submission).

Submission:

ISCA site 4
Classification: Uncertain significance. Last evaluated: 2011-08-12. Review status: criteria provided, single submitter. Criteria: Kaminsky et al. (Genet Med. 2011). Collection method: clinical testing. Allele origin: unknown. Affected: yes. Observed: 1 variant allele.
Comment: Copy number variation identified through the course of routine clinical cytogenomic testing in postnatal populations. Clinical assertions have been curated as described in Kaminsky et al. 2011.

GRCh38/hg38 15q21.2(chr15:50756382-50978175)x1

Genes: AP4E1 (adaptor related protein complex 4 subunit epsilon 1; plus strand), SPPL2A (signal peptide peptidase like 2A; minus strand), LOC125078079 (Sharpr-MPRA regulatory region 3374; plus strand), LOC130057047 (ATAC-STARR-seq lymphoblastoid silent region 6430; plus strand), LOC130057048 (ATAC-STARR-seq lymphoblastoid active region 9398; plus strand) and 2 more. Cytogenetic location: 15q21.2.
Variant type: copy number loss.
Change: copy number 1 (one copy instead of two) of chr15:50,756,382-50,978,175 (221.8 kb, GRCh38 coordinates, 1-based), cytogenetic band 15q21.2.
Identifiers: ClinVar variation 57107 (VCV000057107.1).